The following is an entry in ClinVar:

NM_000388.4(CASR):c.2260C>T (p.Gln754Ter)

Gene: CASR (calcium sensing receptor; plus strand). Cytogenetic location: 3q21.1.
Variant type: single nucleotide variant.
Coding change: c.2260C>T on transcript NM_000388.4 (MANE Select); coding-DNA position 2260, C replaced by T.
Protein change: p.Gln754Ter; replaces glutamine 754 with a stop codon.
Molecular consequence: nonsense.
Genome position (GRCh38, 1-based): chr3:122,284,214, C>T. VCF-style: chr3-122284214-C-T. GRCh37 (hg19) VCF-style: chr3-122003061-C-T.
Other names: c.2290C>T, p.Gln764Ter (NM_001178065.2); short protein forms Q754*, Q764*.
Identifiers: ClinVar variation 4847861 (VCV004847861.1).

ClinVar aggregate classification (germline): Pathogenic (1 of 4 stars; one submission).

Conditions:
Neonatal severe primary hyperparathyroidism. Identifiers: Orphanet 417, MedGen C1832615, MONDO:0009397, OMIM 239200.

Submission:

Women's Health and Genetics/Laboratory Corporation of America, LabCorp
Classification: Pathogenic for Neonatal severe primary hyperparathyroidism. Last evaluated: 2026-02-26. Review status: criteria provided, single submitter. Criteria: LabCorp Variant Classification Summary - May 2015. Collection method: clinical testing. Allele origin: germline.
Comment: Variant summary: CASR c.2260C>T (p.Gln754X) results in a premature termination codon, predicted to cause a truncation of the encoded protein and disrupts the C-terminus of the CASR protein. The variant was absent in 250624 control chromosomes (gnomAD). To our knowledge, no occurrence of c.2260C>T in individuals affected with CASR-related conditions and no experimental evidence demonstrating its impact on protein function have been reported. In addition, other variants that disrupt this region have been determined to be pathogenic and this suggests that variants that disrupt this region of the protein are likely to be causative of disease. No submitters have cited clinical-significance assessments for this variant to ClinVar. Based on the evidence outlined above, the variant was classified as pathogenic.